The following is an entry in ClinVar:

ClinVar aggregate classification (germline): Uncertain significance. Review status: criteria provided, multiple submitters, no conflicts (2 of 4 stars). 4 submissions from 4 submitters: Uncertain significance (4). Last evaluated 2024-10-27.

Conditions:
Hereditary cancer-predisposing syndrome. Also called: Tumor predisposition; Hereditary Cancer Syndrome; Neoplastic Syndromes, Hereditary; Hereditary neoplastic syndrome. Identifiers: Orphanet 140162, MedGen C0027672, MeSH D009386, MONDO:0015356.
Tuberous sclerosis 2 (TSC2). Identifiers: Orphanet 805, MedGen C1860707, MONDO:0013199, OMIM 613254.

Submissions (4):

Labcorp Genetics (formerly Invitae), Labcorp
Classification: Uncertain significance for Tuberous sclerosis 2. Last evaluated: 2024-10-27. Review status: criteria provided, single submitter. Criteria: Invitae Variant Classification Sherloc (09022015). Collection method: clinical testing. Allele origin: germline.
Comment: This sequence change replaces glutamic acid, which is acidic and polar, with lysine, which is basic and polar, at codon 43 of the TSC2 protein (p.Glu43Lys). This variant is not present in population databases (gnomAD no frequency). This variant has not been reported in the literature in individuals affected with TSC2-related conditions. ClinVar contains an entry for this variant (Variation ID: 864308). Invitae Evidence Modeling of protein sequence and biophysical properties (such as structural, functional, and spatial information, amino acid conservation, physicochemical variation, residue mobility, and thermodynamic stability) indicates that this missense variant is not expected to disrupt TSC2 protein function with a negative predictive value of 95%. In summary, the available evidence is currently insufficient to determine the role of this variant in disease. Therefore, it has been classified as a Variant of Uncertain Significance.

Ambry Genetics
Classification: Uncertain significance for Hereditary cancer-predisposing syndrome. Last evaluated: 2023-04-08. Review status: criteria provided, single submitter. Criteria: Ambry Variant Classification Scheme 2023. Collection method: clinical testing. Allele origin: germline.
Comment: The p.E43K variant (also known as c.127G>A), located in coding exon 1 of the TSC2 gene, results from a G to A substitution at nucleotide position 127. The glutamic acid at codon 43 is replaced by lysine, an amino acid with similar properties. This amino acid position is conserved. In addition, the in silico prediction for this alteration is inconclusive. Since supporting evidence is limited at this time, the clinical significance of this alteration remains unclear.

Genome-Nilou Lab
Classification: Uncertain significance for Tuberous sclerosis 2. Last evaluated: 2021-11-07. Review status: criteria provided, single submitter. Criteria: ACMG Guidelines, 2015. Collection method: clinical testing. Allele origin: germline. Affected: no.

ARUP Laboratories, Molecular Genetics and Genomics, ARUP Laboratories
Classification: Uncertain significance. Last evaluated: 2019-12-23. Review status: criteria provided, single submitter. Criteria: ARUP Molecular Germline Variant Investigation Process. Collection method: clinical testing. Allele origin: germline.
Comment: The TSC2 c.127G>A; p.Glu43Lys variant, to our knowledge, is not reported in the medical literature or gene specific databases. This variant is also absent from general population databases (Exome Variant Server, Genome Aggregation Database), indicating it is not a common polymorphism. The glutamate at codon 43 is moderately conserved, but computational analyses (SIFT: Damaging, PolyPhen-2: Benign) predict conflicting effects of this variant on protein structure/function. Due to limited information, the clinical significance of this variant is uncertain at this time.

NM_000548.5(TSC2):c.127G>A (p.Glu43Lys)

Gene: TSC2 (TSC complex subunit 2; plus strand). Cytogenetic location: 16p13.3.
Variant type: single nucleotide variant.
Coding change: c.127G>A on transcript NM_000548.5 (MANE Select); coding-DNA position 127, G replaced by A.
Protein change: p.Glu43Lys; replaces glutamic acid 43 with lysine.
Molecular consequence: missense variant. On other transcripts: 5 prime UTR variant (1), intron variant (1).
Genome position (GRCh38, 1-based): chr16:2,048,742, G>A. VCF-style: chr16-2048742-G-A. GRCh37 (hg19) VCF-style: chr16-2098743-G-A.
Other names: c.127G>A, p.Glu43Lys (NM_001077183.3, NM_001114382.3, NM_001318827.2 and 4 more transcripts); c.-100G>A (NM_001318831.2); c.160G>A, p.Glu54Lys (NM_001318832.2); c.-10+677G>A (NM_001318829.2); short protein forms E43K, E54K.
Identifiers: ClinVar variation 864308 (VCV000864308.22), dbSNP rs2084685904, ClinGen allele CA394301730.
Genomic context (GRCh38, chr16:2,048,742, plus strand): 5'-ACACCGAGGCCAAATCCCAGGTCTGCAGAGGGTAAACAGACGGAGTTTATCATCACCGCG[G>A]AAATACTGAGAGTGAGTGAGCTACCTGTGTCTTTGCTAGGCTAGAGGGAAATGCAGAGAA-3'
Protein context (NP_000539.2, residues 33-53): GKQTEFIITA[Glu43Lys]ILRELSMECG